The following is an entry in ClinVar:

ClinVar aggregate classification (germline): Uncertain significance (1 of 4 stars; one submission).

Allele frequency attached by ClinVar (database versions not stated): gnomAD exomes below 0.00001; TOPMed below 0.00001; ExAC 0.00001; gnomAD 0.00001.

Submission:

Labcorp Genetics (formerly Invitae), Labcorp
Classification: Uncertain significance. Last evaluated: 2024-10-17. Review status: criteria provided, single submitter. Criteria: Invitae Variant Classification Sherloc (09022015). Collection method: clinical testing. Allele origin: germline.
Comment: This sequence change results in a frameshift in the OAS1 gene (p.Trp395Aspfs*53). While this is not anticipated to result in nonsense mediated decay, it is expected to disrupt the last 6 amino acid(s) of the OAS1 protein and extend the protein by 46 additional amino acid residues. This variant is not present in population databases (gnomAD no frequency). This variant has not been reported in the literature in individuals affected with OAS1-related conditions. ClinVar contains an entry for this variant (Variation ID: 1005115). Experimental studies and prediction algorithms are not available or were not evaluated, and the functional significance of this variant is currently unknown. In summary, the available evidence is currently insufficient to determine the role of this variant in disease. Therefore, it has been classified as a Variant of Uncertain Significance.

NM_016816.4(OAS1):c.1183_1184del (p.Trp395fs)

Gene: OAS1 (2'-5'-oligoadenylate synthetase 1; plus strand). Cytogenetic location: 12q24.13.
Variant type: Deletion.
Coding change: c.1183_1184del on transcript NM_016816.4 (MANE Select); coding-DNA positions 1183 to 1184, 2 bases deleted (TG; older notation c.1183_1184delTG).
Protein change: p.Trp395fs; shifts the reading frame from tryptophan 395.
Molecular consequence: frameshift variant. On other transcripts: intron variant (1).
Genome position (GRCh38, 1-based): chr12:112,919,533-112,919,534, TG deleted. VCF-style (leftmost placement, unchanged base first): chr12-112919532-CTG-C. GRCh37 (hg19) VCF-style: chr12-113357337-CTG-C.
Other names: c.1085_1086del, p.Leu362fs (NM_001032409.3); c.1038+1833_1038+1834del (NM_001320151.2); short protein forms L362fs, W395fs.
Identifiers: ClinVar variation 1005115 (VCV001005115.6), dbSNP rs769646411, ClinGen allele CA6800028.